The following is an entry in ClinVar:

ClinVar aggregate classification (germline): Uncertain significance (0 of 4 stars; one submission).

Conditions:
KDM6B-related disorder. Also called: KDM6B-related condition.

Submission:

PreventionGenetics, part of Exact Sciences
Classification: Uncertain significance for KDM6B-related condition. Last evaluated: 2024-06-03. Review status: no assertion criteria provided. Collection method: clinical testing. Allele origin: germline.
Comment: The KDM6B c.3425T>A variant is predicted to result in the amino acid substitution p.Val1142Asp. To our knowledge, this variant has not been reported in the literature or in a large population database, indicating this variant is rare. At this time, the clinical significance of this variant is uncertain due to the absence of conclusive functional and genetic evidence.

NM_001348716.2(KDM6B):c.3425T>A (p.Val1142Asp)

Gene: KDM6B (lysine demethylase 6B; plus strand). Cytogenetic location: 17p13.1.
Variant type: single nucleotide variant.
Coding change: c.3425T>A on transcript NM_001348716.2 (MANE Select); coding-DNA position 3425, T replaced by A.
Protein change: p.Val1142Asp; replaces valine 1142 with aspartic acid.
Molecular consequence: missense variant.
Genome position (GRCh38, 1-based): chr17:7,849,713, T>A. VCF-style: chr17-7849713-T-A. GRCh37 (hg19) VCF-style: chr17-7753031-T-A.
Other names: c.3425T>A, p.Val1142Asp (NM_001080424.2); short protein forms V1142D.
Identifiers: ClinVar variation 3344149 (VCV003344149.1).